The following is an entry in ClinVar:

NM_001845.6(COL4A1):c.1145G>A (p.Gly382Asp)

Gene: COL4A1 (collagen type IV alpha 1 chain; minus strand). Cytogenetic location: 13q34.
Variant type: single nucleotide variant.
Coding change: c.1145G>A on transcript NM_001845.6 (MANE Select); coding-DNA position 1145, G replaced by A.
Protein change: p.Gly382Asp; replaces glycine 382 with aspartic acid.
Molecular consequence: missense variant.
Genome position (GRCh38, 1-based): chr13:110,198,607, C>T on the plus strand (G>A on the coding strand, the complement: COL4A1 is on the minus strand). VCF-style: chr13-110198607-C-T. GRCh37 (hg19) VCF-style: chr13-110850954-C-T.
Other names: c.1145G>A, p.Gly382Asp (NM_001303110.2); short protein forms G382D.
Identifiers: ClinVar variation 1516532 (VCV001516532.11), dbSNP rs2139187455, ClinGen allele CA388724167.

ClinVar aggregate classification (germline): Likely pathogenic. Review status: criteria provided, multiple submitters, no conflicts (2 of 4 stars). 2 submissions from 2 submitters: Likely pathogenic (2). Last evaluated 2025-06-16.

Conditions:
Brain small vessel disease 1 with or without ocular anomalies (BSVD1). Also called: Brain small vessel disease with or without ocular anomalies; GOULD SYNDROME 1; BRAIN SMALL VESSEL DISEASE WITH HEMORRHAGE; PORENCEPHALY, TYPE 1, AUTOSOMAL DOMINANT. Identifiers: Orphanet 2940, Orphanet 36383, Orphanet 99810, MedGen C4755307, MONDO:0008289, OMIM 175780.

Submissions (2):

Institute of Human Genetics Munich, TUM University Hospital
Classification: Likely pathogenic for Brain small vessel disease 1 with or without ocular anomalies. Last evaluated: 2025-06-16. Review status: criteria provided, single submitter. Criteria: Classification criteria August 2017. Collection method: clinical testing. Allele origin: paternal. Inheritance: Autosomal dominant inheritance. Affected: yes. Observed: 1 variant allele.

Labcorp Genetics (formerly Invitae), Labcorp
Classification: Likely pathogenic. Last evaluated: 2024-10-17. Review status: criteria provided, single submitter. Criteria: Invitae Variant Classification Sherloc (09022015). Collection method: clinical testing. Allele origin: germline.
Comment: This sequence change replaces glycine, which is neutral and non-polar, with aspartic acid, which is acidic and polar, at codon 382 of the COL4A1 protein (p.Gly382Asp). This variant is not present in population databases (gnomAD no frequency). This variant has not been reported in the literature in individuals affected with COL4A1-related conditions. ClinVar contains an entry for this variant (Variation ID: 1516532). Invitae Evidence Modeling of protein sequence and biophysical properties (such as structural, functional, and spatial information, amino acid conservation, physicochemical variation, residue mobility, and thermodynamic stability) indicates that this missense variant is expected to disrupt COL4A1 protein function with a positive predictive value of 80%. This variant disrupts the triple helix domain of COL4A1. Glycine residues within the Gly-Xaa-Yaa repeats of the triple helix domain are required for the structure and stability of fibrillar collagens (PMID: 7695699, 8218237, 19344236). In COL4A1 variants affecting these glycine residues are significantly enriched in individuals with disease (PMID: 9016532, 17078022) compared to the general population (ExAC). In summary, the currently available evidence indicates that the variant is pathogenic, but additional data are needed to prove that conclusively. Therefore, this variant has been classified as Likely Pathogenic.

Literature cited by the submitters: PubMed 7695699 (cited by Labcorp Genetics (formerly Invitae), Labcorp); PubMed 8218237 (cited by Labcorp Genetics (formerly Invitae), Labcorp); PubMed 19344236 (cited by Labcorp Genetics (formerly Invitae), Labcorp); PubMed 9016532 (cited by Labcorp Genetics (formerly Invitae), Labcorp); PubMed 17078022 (cited by Labcorp Genetics (formerly Invitae), Labcorp).